The following is an entry in ClinVar:

NM_016599.5(MYOZ2):c.80T>C (p.Val27Ala)

Gene: MYOZ2 (myozenin 2; plus strand). Cytogenetic location: 4q26.
Variant type: single nucleotide variant.
Coding change: c.80T>C on transcript NM_016599.5 (MANE Select); coding-DNA position 80, T replaced by C.
Protein change: p.Val27Ala; replaces valine 27 with alanine.
Molecular consequence: missense variant.
Genome position (GRCh38, 1-based): chr4:119,150,875, T>C. VCF-style: chr4-119150875-T-C. GRCh37 (hg19) VCF-style: chr4-120072030-T-C.
Other names: short protein forms V27A.
Identifiers: ClinVar variation 3916666 (VCV003916666.1).

ClinVar aggregate classification (germline): Uncertain significance (1 of 4 stars; one submission).

Conditions:
Cardiovascular phenotype. Identifiers: MedGen CN230736.

Submission:

Ambry Genetics
Classification: Uncertain significance for Cardiovascular phenotype. Last evaluated: 2025-04-24. Review status: criteria provided, single submitter. Criteria: Ambry Variant Classification Scheme 2023. Collection method: clinical testing. Allele origin: germline.
Comment: The p.V27A variant (also known as c.80T>C), located in coding exon 2 of the MYOZ2 gene, results from a T to C substitution at nucleotide position 80. The valine at codon 27 is replaced by alanine, an amino acid with similar properties. This amino acid position is conserved. In addition, this alteration is predicted to be tolerated by in silico analysis. Based on the available evidence, the clinical significance of this variant remains unclear.